The following is an entry in ClinVar:

ClinVar aggregate classification (germline): Likely pathogenic (1 of 4 stars; one submission).

Conditions:
ALG6-congenital disorder of glycosylation 1C (CDG1C). Also called: CARBOHYDRATE-DEFICIENT GLYCOPROTEIN SYNDROME, TYPE I, WITH DEFICIENT GLYCOSYLATION OF DOLICHOL-LINKED OLIGOSACCHARIDE; CARBOHYDRATE-DEFICIENT GLYCOPROTEIN SYNDROME, TYPE V; Congenital disorder of glycosylation type 1C; CDG Ic; Congenital disorder of glycosylation, type Ic. Identifiers: Orphanet 79320, MedGen C2930997, MONDO:0011291, OMIM 603147.

Submission:

Myriad Genetics, Inc.
Classification: Likely pathogenic for ALG6-congenital disorder of glycosylation 1C. Last evaluated: 2021-12-08. Review status: criteria provided, single submitter. Criteria: Myriad Women's Health Autosomal Recessive and X-Linked Classification Criteria (2021). Collection method: clinical testing. Allele origin: unknown.
Comment: NM_013339.3(ALG6):c.893T>A(L298*) is expected to be pathogenic in the context of congenital disorder of glycosylation type Ic. This variant is predicted to lead to an abnormal or absent protein product due to the creation of a premature termination codon in ALG6, a gene where loss-of-function variants are known to be pathogenic. Please note: this variant was assessed in the context of healthy population screening.

NM_013339.4(ALG6):c.893T>A (p.Leu298Ter)

Gene: ALG6 (ALG6 alpha-1,3-glucosyltransferase; plus strand). Cytogenetic location: 1p31.3.
Variant type: single nucleotide variant.
Coding change: c.893T>A on transcript NM_013339.4 (MANE Select); coding-DNA position 893, T replaced by A.
Protein change: p.Leu298Ter; replaces leucine 298 with a stop codon.
Molecular consequence: nonsense.
Genome position (GRCh38, 1-based): chr1:63,414,137, T>A. VCF-style: chr1-63414137-T-A. GRCh37 (hg19) VCF-style: chr1-63879808-T-A.
Other names: short protein forms L298*.
Identifiers: ClinVar variation 1726036 (VCV001726036.2), dbSNP rs2523755672, ClinGen allele CA340636772.
Genomic context (GRCh38, chr1:63,414,137, plus strand): 5'-TTTGGTGCAGCTTCAATGTCTTTCTGAAGATTAAGGATATTTTGCCACGTCACATCCAAT[T>A]AATAATGAGGTAAGAGAAACAAAGTTTGTATGTAGTATTTTATAAGTTACTCTTTAAAAG-3'